The following is an entry in ClinVar:

ClinVar aggregate classification (germline): Likely benign (0 of 4 stars; one submission).

Conditions:
NRK-related condition.

gnomAD v4.1: 27 of 1,198,858 alleles (0.0023%); highest among the groups gnomAD compares: Admixed American, 0.031%; no homozygotes.

Submission:

PreventionGenetics, part of Exact Sciences
Classification: Likely benign for NRK-related condition. Last evaluated: 2024-09-09. Review status: no assertion criteria provided. Collection method: clinical testing. Allele origin: germline.
Comment: This variant is classified as likely benign based on ACMG/AMP sequence variant interpretation guidelines (Richards et al. 2015 PMID: 25741868, with internal and published modifications).

NM_198465.4(NRK):c.4480C>T (p.Leu1494Phe)

Gene: NRK (Nik related kinase; plus strand). Cytogenetic location: Xq22.3.
Variant type: single nucleotide variant.
Coding change: c.4480C>T on transcript NM_198465.4 (MANE Select); coding-DNA position 4480, C replaced by T.
Protein change: p.Leu1494Phe; replaces leucine 1494 with phenylalanine.
Molecular consequence: missense variant.
Genome position (GRCh38, 1-based): chrX:105,949,701, C>T. VCF-style: chrX-105949701-C-T. GRCh37 (hg19) VCF-style: chrX-105193693-C-T.
Other names: short protein forms L1494F.
Identifiers: ClinVar variation 3355560 (VCV003355560.1).